The following is an entry in ClinVar:

ClinVar aggregate classification (germline): Uncertain significance (1 of 4 stars; one submission).

Conditions:
Dworschak-Punetha neurodevelopmental syndrome (DWOPNED). Identifiers: MedGen C5677017, MONDO:0859260, OMIM 619955.

Submission:

Prenatal Diagnostic Center, The Seventh Affiliated Hospital, Sun Yat-sen University
Classification: Uncertain significance for Dworschak-Punetha neurodevelopmental syndrome. Review status: criteria provided, single submitter. Criteria: ACMG Guidelines, 2015. Collection method: clinical testing. Allele origin: germline. Inheritance: Autosomal recessive inheritance. Affected: yes. Observed: 1 homozygote.
Comment: The c.2497G>C(p.Ala833Pro) variant in PLXNA1 has not been reported and was absent from large population studies. Structural modeling of the missense variant in PLXNA1 indicated a distortion in the native protein conformation. In sunmary, The c.2497G>C(p.Ala833Pro) classified as a variant of uncertain significance (VUS) based on the criteria of the American College of Medical Genetics and Genomics (ACMG). The evidence of pathogenicity is PM2+PM3+PP2.

NM_032242.4(PLXNA1):c.2497G>C (p.Ala833Pro)

Gene: PLXNA1 (plexin A1; plus strand). Cytogenetic location: 3q21.3.
Variant type: single nucleotide variant.
Coding change: c.2497G>C on transcript NM_032242.4 (MANE Select); coding-DNA position 2497, G replaced by C.
Protein change: p.Ala833Pro; replaces alanine 833 with proline.
Molecular consequence: missense variant.
Genome position (GRCh38, 1-based): chr3:127,014,268, G>C. VCF-style: chr3-127014268-G-C. GRCh37 (hg19) VCF-style: chr3-126733111-G-C.
Other names: short protein forms A833P.
Identifiers: ClinVar variation 3764775 (VCV003764775.2).